The following is an entry in ClinVar:

ClinVar aggregate classification (germline): Benign/Likely benign. Review status: criteria provided, multiple submitters, no conflicts (2 of 4 stars). 3 submissions from 3 submitters: Benign (1); Likely benign (2). Last evaluated 2025-03-19.

Conditions:
RPS24-related disorder. Also called: RPS24-related condition.
Diamond-Blackfan anemia 3 (DBA3). Also called: RPS24-Related Diamond-Blackfan Anemia. Identifiers: Orphanet 124, MedGen C1857719, MONDO:0012529, OMIM 610629.

Allele frequency attached by ClinVar (database versions not stated): ESP Exome Variant Server 0.00008; TOPMed 0.00013.

Submissions (3):

PreventionGenetics, part of Exact Sciences
Classification: Likely benign for RPS24-related condition. Last evaluated: 2025-03-19. Review status: criteria provided, single submitter. Criteria: ACMG Guidelines, 2015. Collection method: clinical testing. Allele origin: germline.
Comment: This variant is classified as likely benign based on ACMG/AMP sequence variant interpretation guidelines (Richards et al. 2015 PMID: 25741868, with internal and published modifications).

Blueprint Genetics
Classification: Likely benign. Last evaluated: 2024-08-20. Review status: criteria provided, single submitter. Criteria: ACMG Guidelines, 2015. Collection method: clinical testing. Allele origin: germline.

Illumina Laboratory Services, Illumina
Classification: Benign for Diamond-Blackfan anemia 3. Last evaluated: 2018-01-13. Review status: criteria provided, single submitter. Criteria: ICSL Variant Classification Criteria 13 December 2019. Collection method: clinical testing. Allele origin: germline.
Comment: This variant was observed in the ICSL laboratory as part of a predisposition screen in an ostensibly healthy population. It had not been previously curated by ICSL or reported in the Human Gene Mutation Database (HGMD: prior to June 1st, 2018), and was therefore a candidate for classification through an automated scoring system. Utilizing variant allele frequency, disease prevalence and penetrance estimates, and inheritance mode, an automated score was calculated to assess if this variant is too frequent to cause the disease. Based on the score and internal cut-off values, a variant classified as benign is not then subjected to further curation. The score for this variant resulted in a classification of benign for this disease.

NM_033022.4(RPS24):c.-7C>A

Genes: RPS24 (ribosomal protein S24; plus strand), LOC130004144 (ATAC-STARR-seq lymphoblastoid active region 3613; plus strand). Cytogenetic location: 10q22.3.
Variant type: single nucleotide variant.
Coding change: c.-7C>A on transcript NM_033022.4 (MANE Select); 7 bases upstream of the start codon, C replaced by A.
Molecular consequence: 5 prime UTR variant.
Genome position (GRCh38, 1-based): chr10:78,033,895, C>A. VCF-style: chr10-78033895-C-A. GRCh37 (hg19) VCF-style: chr10-79793653-C-A.
Other names: c.-7C>A (NM_001026.5, NM_001142282.2, NM_001142283.2 and 3 more transcripts).
Identifiers: ClinVar variation 877455 (VCV000877455.6), dbSNP rs200489620, ClinGen allele CA5571870.